The following is an entry in ClinVar:

ClinVar aggregate classification (germline): Uncertain significance (1 of 4 stars; one submission).

Allele frequency attached by ClinVar (database versions not stated): gnomAD exomes below 0.00001.

Submission:

Labcorp Genetics (formerly Invitae), Labcorp
Classification: Uncertain significance. Last evaluated: 2023-06-21. Review status: criteria provided, single submitter. Criteria: Invitae Variant Classification Sherloc (09022015). Collection method: clinical testing. Allele origin: germline.
Comment: This sequence change replaces alanine, which is neutral and non-polar, with threonine, which is neutral and polar, at codon 98 of the ALAS2 protein (p.Ala98Thr). This variant is not present in population databases (gnomAD no frequency). This variant has not been reported in the literature in individuals affected with ALAS2-related conditions. Advanced modeling of protein sequence and biophysical properties (such as structural, functional, and spatial information, amino acid conservation, physicochemical variation, residue mobility, and thermodynamic stability) performed at Invitae indicates that this missense variant is expected to disrupt ALAS2 protein function. In summary, the available evidence is currently insufficient to determine the role of this variant in disease. Therefore, it has been classified as a Variant of Uncertain Significance.

NM_000032.5(ALAS2):c.292G>A (p.Ala98Thr)

Genes: ALAS2 (5'-aminolevulinate synthase 2; minus strand), LOC108663984 (ALAS2 intron 1 and 3 erythroid regulatory elements; plus strand). Cytogenetic location: Xp11.21.
Variant type: single nucleotide variant.
Coding change: c.292G>A on transcript NM_000032.5 (MANE Select); coding-DNA position 292, G replaced by A.
Protein change: p.Ala98Thr; replaces alanine 98 with threonine.
Molecular consequence: missense variant.
Genome position (GRCh38, 1-based): chrX:55,024,730, C>T on the plus strand (G>A on the coding strand, the complement: ALAS2 is on the minus strand). VCF-style: chrX-55024730-C-T. GRCh37 (hg19) VCF-style: chrX-55051163-C-T.
Other names: c.292G>A, p.Ala98Thr (NM_001037967.4); c.364G>A, p.Ala122Thr (NM_001037968.4); short protein forms A122T, A98T.
Identifiers: ClinVar variation 2777950 (VCV002777950.3), dbSNP rs2519592354, ClinGen allele CA413296427.